The following is an entry in ClinVar:

NM_001170629.2(CHD8):c.289A>T (p.Thr97Ser)

Gene: CHD8 (chromodomain helicase DNA binding protein 8; minus strand). Cytogenetic location: 14q11.2.
Variant type: single nucleotide variant.
Coding change: c.289A>T on transcript NM_001170629.2 (MANE Select); coding-DNA position 289, A replaced by T.
Protein change: p.Thr97Ser; replaces threonine 97 with serine.
Molecular consequence: missense variant. On other transcripts: intron variant (1).
Genome position (GRCh38, 1-based): chr14:21,431,355, T>A on the plus strand (A>T on the coding strand, the complement: CHD8 is on the minus strand). VCF-style: chr14-21431355-T-A. GRCh37 (hg19) VCF-style: chr14-21899514-T-A.
Other names: c.6+456A>T (NM_020920.4); short protein forms T97S.
Identifiers: ClinVar variation 1683927 (VCV001683927.2), dbSNP rs1594379991, ClinGen allele CA388889740.

ClinVar aggregate classification (germline): Uncertain significance (1 of 4 stars; one submission).

gnomAD v4.1: 1 of 1,537,640 alleles (0.000065%); no homozygotes.

Submission:

GeneDx
Classification: Uncertain significance. Last evaluated: 2022-05-09. Review status: criteria provided, single submitter. Criteria: GeneDx Variant Classification Process June 2021. Collection method: clinical testing. Allele origin: germline. Affected: yes.
Comment: Not observed at significant frequency in large population cohorts (gnomAD); In silico analysis supports that this missense variant does not alter protein structure/function; Has not been previously published as pathogenic or benign to our knowledge